The following is an entry in ClinVar:

ClinVar aggregate classification (germline): Uncertain significance (1 of 4 stars; one submission).

Conditions:
Ataxia-telangiectasia syndrome (AT). Also called: ATAXIA-TELANGIECTASIA, COMPLEMENTATION GROUP A; ATAXIA-TELANGIECTASIA, FRESNO VARIANT; Ataxia-telangiectasia; Ataxia-telangiectasia, complementation group E; Ataxia telangiectasia (A-T); LOUIS-BAR SYNDROME. Identifiers: Orphanet 100, MedGen C0004135, MONDO:0008840, OMIM 208900.

Submission:

Labcorp Genetics (formerly Invitae), Labcorp
Classification: Uncertain significance for Ataxia-telangiectasia syndrome. Last evaluated: 2024-05-13. Review status: criteria provided, single submitter. Criteria: Invitae Variant Classification Sherloc (09022015). Collection method: clinical testing. Allele origin: germline.
Comment: This sequence change replaces isoleucine, which is neutral and non-polar, with threonine, which is neutral and polar, at codon 77 of the ATM protein (p.Ile77Thr). This variant is not present in population databases (gnomAD no frequency). This variant has not been reported in the literature in individuals affected with ATM-related conditions. Advanced modeling of protein sequence and biophysical properties (such as structural, functional, and spatial information, amino acid conservation, physicochemical variation, residue mobility, and thermodynamic stability) performed at Invitae indicates that this missense variant is not expected to disrupt ATM protein function with a negative predictive value of 95%. In summary, the available evidence is currently insufficient to determine the role of this variant in disease. Therefore, it has been classified as a Variant of Uncertain Significance.

NM_000051.4(ATM):c.230T>C (p.Ile77Thr)

Gene: ATM (ATM serine/threonine kinase; plus strand). Cytogenetic location: 11q22.3.
Variant type: single nucleotide variant.
Coding change: c.230T>C on transcript NM_000051.4 (MANE Select); coding-DNA position 230, T replaced by C.
Protein change: p.Ile77Thr; replaces isoleucine 77 with threonine.
Molecular consequence: missense variant.
Genome position (GRCh38, 1-based): chr11:108,229,222, T>C. VCF-style: chr11-108229222-T-C. GRCh37 (hg19) VCF-style: chr11-108099949-T-C.
Other names: c.230T>C, p.Ile77Thr (NM_001351834.2, NM_001351835.2, NM_001351836.2); short protein forms I77T.
Identifiers: ClinVar variation 3715097 (VCV003715097.2).
Genomic context (GRCh38, chr11:108,229,222, plus strand): 5'-TTTTGTTTTCTTGAAGATTTTTACAGAAATATATTCAGAAAGAAACAGAATGTCTGAGAA[T>C]AGCAAAACCAAATGTATCAGCCTCAACACAAGCCTCCAGGCAGAAAAAGATGCAGGAAAT-3'
Protein context (NP_000042.3, residues 67-87): YIQKETECLR[Ile77Thr]AKPNVSASTQ